The following is an entry in ClinVar:

NM_005591.4(MRE11):c.843G>T (p.Lys281Asn)

Gene: MRE11 (MRE11 double strand break repair nuclease; minus strand). Cytogenetic location: 11q21.
Variant type: single nucleotide variant.
Coding change: c.843G>T on transcript NM_005591.4 (MANE Select); coding-DNA position 843, G replaced by T.
Protein change: p.Lys281Asn; replaces lysine 281 with asparagine.
Molecular consequence: missense variant.
Genome position (GRCh38, 1-based): chr11:94,471,576, C>A on the plus strand (G>T on the coding strand, the complement: MRE11 is on the minus strand). VCF-style: chr11-94471576-C-A. GRCh37 (hg19) VCF-style: chr11-94204742-C-A.
Other names: c.843G>T, p.Lys281Asn (NM_001330347.2, NM_005590.4); short protein forms K281N.
Identifiers: ClinVar variation 822422 (VCV000822422.5), dbSNP rs750098871, ClinGen allele CA6235298.

ClinVar aggregate classification (germline): Uncertain significance (1 of 4 stars; one submission).

Conditions:
Hereditary cancer-predisposing syndrome. Also called: Tumor predisposition; Hereditary Cancer Syndrome; Neoplastic Syndromes, Hereditary; Hereditary neoplastic syndrome. Identifiers: Orphanet 140162, MedGen C0027672, MeSH D009386, MONDO:0015356.

Allele frequency attached by ClinVar (database versions not stated): gnomAD exomes below 0.00001; TOPMed below 0.00001; ExAC 0.00001; gnomAD 0.00001.
gnomAD v4.1: 6 of 1,612,090 alleles (0.00037%); highest among the groups gnomAD compares: Non-Finnish European, 0.00051%; no homozygotes.

Submission:

Ambry Genetics
Classification: Uncertain significance for Hereditary cancer-predisposing syndrome. Last evaluated: 2024-06-01. Review status: criteria provided, single submitter. Criteria: Ambry Variant Classification Scheme 2023. Collection method: clinical testing. Allele origin: germline.
Comment: The p.K281N variant (also known as c.843G>T), located in coding exon 7 of the MRE11A gene, results from a G to T substitution at nucleotide position 843. The lysine at codon 281 is replaced by asparagine, an amino acid with similar properties. This amino acid position is highly conserved in available vertebrate species. In addition, this alteration is predicted to be tolerated by in silico analysis. Since supporting evidence is limited at this time, the clinical significance of this alteration remains unclear.